The following is an entry in ClinVar:

NM_001384732.1(CPLANE1):c.1371+1G>A

Gene: CPLANE1 (ciliogenesis and planar polarity effector complex subunit 1; minus strand). Cytogenetic location: 5p13.2.
Variant type: single nucleotide variant.
Coding change: c.1371+1G>A on transcript NM_001384732.1 (MANE Select); the canonical splice donor site of the intron after coding-DNA position 1371, G replaced by A.
Molecular consequence: splice donor variant.
Genome position (GRCh38, 1-based): chr5:37,227,567, C>T on the plus strand (G>A on the coding strand, the complement: CPLANE1 is on the minus strand). VCF-style: chr5-37227567-C-T. GRCh37 (hg19) VCF-style: chr5-37227669-C-T.
Other names: c.1371+1G>A (NM_023073.4).
Identifiers: ClinVar variation 2145732 (VCV002145732.4), dbSNP rs2548602004, ClinGen allele CA359503908.

ClinVar aggregate classification (germline): Likely pathogenic (1 of 4 stars; one submission).

Allele frequency attached by ClinVar (database versions not stated): gnomAD exomes below 0.00001.
gnomAD v4.1: 1 of 1,548,888 alleles (0.000065%); highest among the groups gnomAD compares: Admixed American, 0.002%; no homozygotes.

Submission:

Labcorp Genetics (formerly Invitae), Labcorp
Classification: Likely pathogenic. Last evaluated: 2022-02-11. Review status: criteria provided, single submitter. Criteria: Invitae Variant Classification Sherloc (09022015). Collection method: clinical testing. Allele origin: germline.
Comment: In summary, the currently available evidence indicates that the variant is pathogenic, but additional data are needed to prove that conclusively. Therefore, this variant has been classified as Likely Pathogenic. Algorithms developed to predict the effect of sequence changes on RNA splicing suggest that this variant may disrupt the consensus splice site. This variant has not been reported in the literature in individuals affected with CPLANE1-related conditions. This variant is not present in population databases (gnomAD no frequency). This sequence change affects a donor splice site in intron 10 of the CPLANE1 gene. It is expected to disrupt RNA splicing. Variants that disrupt the donor or acceptor splice site typically lead to a loss of protein function (PMID: 16199547), and loss-of-function variants in CPLANE1 are known to be pathogenic (PMID: 24178751, 26092869).

Literature cited by the submitters: PubMed 16199547; PubMed 24178751; PubMed 26092869.